The following is an entry in ClinVar:

NM_015488.5(PNKD):c.614C>A (p.Thr205Asn)

Genes: CATIP-AS2 (CATIP antisense RNA 2; minus strand), PNKD (PNKD metallo-beta-lactamase domain containing; plus strand). Cytogenetic location: 2q35.
Variant type: single nucleotide variant.
Coding change: c.614C>A on transcript NM_015488.5 (MANE Select); coding-DNA position 614, C replaced by A.
Protein change: p.Thr205Asn; replaces threonine 205 with asparagine.
Molecular consequence: missense variant.
Genome position (GRCh38, 1-based): chr2:218,341,623, C>A. VCF-style: chr2-218341623-C-A. GRCh37 (hg19) VCF-style: chr2-219206346-C-A.
Other names: c.542C>A, p.Thr181Asn (NM_022572.5); short protein forms T181N, T205N.
Identifiers: ClinVar variation 2698276 (VCV002698276.3), dbSNP rs2469466623, ClinGen allele CA350540760.

ClinVar aggregate classification (germline): Uncertain significance (1 of 4 stars; one submission).

Conditions:
Paroxysmal nonkinesigenic dyskinesia. Also called: Paroxysmal non-kinesigenic dyskinesia. Identifiers: Orphanet 98810, MedGen C1869117, MONDO:0700088.

Submission:

Labcorp Genetics (formerly Invitae), Labcorp
Classification: Uncertain significance for Paroxysmal nonkinesigenic dyskinesia. Last evaluated: 2023-11-24. Review status: criteria provided, single submitter. Criteria: Invitae Variant Classification Sherloc (09022015). Collection method: clinical testing. Allele origin: germline.
Comment: This sequence change replaces threonine, which is neutral and polar, with asparagine, which is neutral and polar, at codon 205 of the PNKD protein (p.Thr205Asn). This variant is not present in population databases (gnomAD no frequency). This variant has not been reported in the literature in individuals affected with PNKD-related conditions. Advanced modeling of protein sequence and biophysical properties (such as structural, functional, and spatial information, amino acid conservation, physicochemical variation, residue mobility, and thermodynamic stability) performed at Invitae indicates that this missense variant is not expected to disrupt PNKD protein function with a negative predictive value of 80%. In summary, the available evidence is currently insufficient to determine the role of this variant in disease. Therefore, it has been classified as a Variant of Uncertain Significance.